The following is an entry in ClinVar:

NM_001267550.2(TTN):c.17116G>A (p.Glu5706Lys)

Genes: TTN (titin; minus strand), LOC126806431 (CDK7 strongly-dependent group 2 enhancer GRCh37_chr2:179595719-179596918; plus strand). Cytogenetic location: 2q31.2.
Variant type: single nucleotide variant.
Coding change: c.17116G>A on transcript NM_001267550.2 (MANE Select); coding-DNA position 17116, G replaced by A.
Protein change: p.Glu5706Lys; replaces glutamic acid 5706 with lysine.
Molecular consequence: missense variant. On other transcripts: intron variant (3).
Genome position (GRCh38, 1-based): chr2:178,731,759, C>T on the plus strand (G>A on the coding strand, the complement: TTN is on the minus strand). VCF-style: chr2-178731759-C-T. GRCh37 (hg19) VCF-style: chr2-179596486-C-T.
Other names: c.13384G>A, p.Glu4462Lys (NM_133378.4); c.16165G>A, p.Glu5389Lys (NM_001256850.1); c.13282+6323G>A (NM_003319.4); c.13858+6323G>A (NM_133437.4); c.13657+6323G>A (NM_133432.3); short protein forms E4462K, E5706K, E5389K.
Identifiers: ClinVar variation 504547 (VCV000504547.21), dbSNP rs376593556, ClinGen allele CA2001913.

ClinVar aggregate classification (germline): Conflicting classifications of pathogenicity. Review status: criteria provided, conflicting classifications (1 of 4 stars). 9 submissions from 9 submitters: Uncertain significance (5); Likely benign (4). Last evaluated 2025-10-07.

Conditions:
Autosomal recessive limb-girdle muscular dystrophy type 2J (LGMDR10). Also called: Limb-girdle muscular dystrophy, type 2J; MUSCULAR DYSTROPHY, LIMB-GIRDLE, AUTOSOMAL RECESSIVE 10. Identifiers: Orphanet 140922, MedGen C1837342, MONDO:0012127, OMIM 608807.
Dilated cardiomyopathy 1G (CMD1G). Identifiers: Orphanet 154, MedGen C1858763, MONDO:0011400, OMIM 604145.
TTN-related disorder. Also called: TTN-related condition; TTN-related disease; TTN-related disorders.

Allele frequency attached by ClinVar (database versions not stated): gnomAD exomes 0.00003; ExAC 0.00006; ESP Exome Variant Server 0.00016; TOPMed 0.00017; gnomAD 0.00018 and 0.00021.
gnomAD v4.1: 65 of 1,613,630 alleles (0.004%); highest among the groups gnomAD compares: African/African-American, 0.06%; no homozygotes.

Submissions (9):

PreventionGenetics, part of Exact Sciences
Classification: Uncertain significance for TTN-related condition. Last evaluated: 2025-10-07. Review status: criteria provided, single submitter. Criteria: ACMG Guidelines, 2015. Collection method: clinical testing. Allele origin: germline.
Comment: The TTN c.17116G>A variant is predicted to result in the amino acid substitution p.Glu5706Lys. To our knowledge, this variant has not been reported in the literature. This variant is reported in 0.050% of alleles in individuals of African descent in gnomAD. Although we suspect that this variant may be benign, at this time, the clinical significance of this variant is uncertain due to the absence of conclusive functional and genetic evidence.

Revvity Omics, Revvity
Classification: Uncertain significance. Last evaluated: 2025-06-10. Review status: criteria provided, single submitter. Criteria: ACMG Guidelines, 2015. Collection method: clinical testing. Allele origin: germline.

Molecular Diagnostic Laboratory for Inherited Cardiovascular Disease, Montreal Heart Institute
Classification: Likely benign. Last evaluated: 2025-04-09. Review status: criteria provided, single submitter. Criteria: ACMG Guidelines, 2015. Collection method: clinical testing. Allele origin: germline. Affected: no.

Blueprint Genetics
Classification: Likely benign. Last evaluated: 2023-03-20. Review status: criteria provided, single submitter. Criteria: ACMG Guidelines, 2015. Collection method: clinical testing. Allele origin: germline.

Women's Health and Genetics/Laboratory Corporation of America, LabCorp
Classification: Likely benign. Last evaluated: 2021-03-15. Review status: criteria provided, single submitter. Criteria: LabCorp Variant Classification Summary - May 2015. Collection method: clinical testing. Allele origin: germline.
Comment: Variant summary: TTN c.13384G>A (p.Glu4462Lys) results in a conservative amino acid change located in the I-band domain of the encoded protein sequence. Four of five in-silico tools predict a benign effect of the variant on protein function. The variant allele was found at a frequency of 4.6e-05 in 279748 control chromosomes, predominantly at a frequency of 0.0005 within the African or African-American subpopulation in the gnomAD database. The observed variant frequency within African or African-American control individuals in the gnomAD database is approximately 1.3 fold of the estimated maximal expected allele frequency for a pathogenic variant in TTN causing Dilated Cardiomyopathy phenotype (0.00039), strongly suggesting that the variant is a benign polymorphism found primarily in populations of African or African-American origin. To our knowledge, no occurrence of c.13384G>A in individuals affected with Dilated Cardiomyopathy and no experimental evidence demonstrating its impact on protein function have been reported. Three ClinVar submitters (evaluation after 2014) cite the variant as uncertain significance. Based on the evidence outlined above, the variant was classified as likely benign.

GeneDx
Classification: Likely benign. Last evaluated: 2019-06-06. Review status: criteria provided, single submitter. Criteria: GeneDx Variant Classification Process June 2021. Collection method: clinical testing. Allele origin: germline. Affected: yes.

Labcorp Genetics (formerly Invitae), Labcorp
Classification: Uncertain significance for Dilated cardiomyopathy 1G; Autosomal recessive limb-girdle muscular dystrophy type 2J. Last evaluated: 2017-12-28. Review status: criteria provided, single submitter. Criteria: Invitae Variant Classification Sherloc (09022015). Collection method: clinical testing. Allele origin: germline.

Eurofins Ntd Llc (ga)
Classification: Uncertain significance. Last evaluated: 2017-11-09. Review status: criteria provided, single submitter. Criteria: EGL Classification Definitions 2015. Collection method: clinical testing. Allele origin: germline. Observed: 2 variant alleles, 2 heterozygotes.

Laboratory for Molecular Medicine, Mass General Brigham Personalized Medicine
Classification: Uncertain significance. Last evaluated: 2016-05-27. Review status: criteria provided, single submitter. Criteria: LMM Criteria. Collection method: clinical testing. Allele origin: germline. Observed: 1 variant allele.
Comment: The p.Glu4462Lys variant in TTN has not been previously reported in individuals with cardiomyopathy, but has been identified in 6/6768 African chromosomes by th e Exome Aggregation Consortium (ExAC; dbSNP rs37 6593556). Computational prediction tools and conservation analysis do not provid e strong support for or against an impact to the protein. In summary, the clinic al significance of the p.Glu4462Lys variant is uncertain.